The following is an entry in ClinVar:

NM_001365951.3(KIF1B):c.3902A>T (p.Glu1301Val)

Gene: KIF1B (kinesin family member 1B; plus strand). Cytogenetic location: 1p36.22.
Variant type: single nucleotide variant.
Coding change: c.3902A>T on transcript NM_001365951.3 (MANE Select); coding-DNA position 3902, A replaced by T.
Protein change: p.Glu1301Val; replaces glutamic acid 1301 with valine.
Molecular consequence: missense variant.
Genome position (GRCh38, 1-based): chr1:10,348,686, A>T. VCF-style: chr1-10348686-A-T. GRCh37 (hg19) VCF-style: chr1-10408744-A-T.
Other names: c.3902A>T, p.Glu1301Val (NM_001365952.1); c.3764A>T, p.Glu1255Val (NM_015074.3); short protein forms E1255V, E1301V.
Identifiers: ClinVar variation 3288488 (VCV003288488.1).
Genomic context (GRCh38, chr1:10,348,686, plus strand): 5'-TGCAACCCTGCTTCATTACCTAGGGCATCCAGCGAAGGATCACAGTGACCATTATCCATG[A>T]GAAGGGGAGCGAGCTCCATTGGAAAGATGTTCGTGAACTGGTGGTAGGTGAGTACGTTTC-3'
Protein context (NP_001352880.1, residues 1291-1311): QRRITVTIIH[Glu1301Val]KGSELHWKDV

ClinVar aggregate classification (germline): Uncertain significance (1 of 4 stars; one submission).

Submission:

Ambry Genetics
Classification: Uncertain significance. Last evaluated: 2024-06-24. Review status: criteria provided, single submitter. Criteria: Ambry Variant Classification Scheme 2023. Collection method: clinical testing. Allele origin: germline.
Comment: The p.E1255V variant (also known as c.3764A>T), located in coding exon 34 of the KIF1B gene, results from an A to T substitution at nucleotide position 3764. The glutamic acid at codon 1255 is replaced by valine, an amino acid with dissimilar properties. This amino acid position is conserved. In addition, this alteration is predicted to be deleterious by in silico analysis. Based on the available evidence, the clinical significance of this variant remains unclear.